The following is an entry in ClinVar:

NM_022367.4(SEMA4A):c.1300A>G (p.Met434Val)

Gene: SEMA4A (semaphorin 4A; plus strand). Cytogenetic location: 1q22.
Variant type: single nucleotide variant.
Coding change: c.1300A>G on transcript NM_022367.4 (MANE Select); coding-DNA position 1300, A replaced by G.
Protein change: p.Met434Val; replaces methionine 434 with valine.
Molecular consequence: missense variant.
Genome position (GRCh38, 1-based): chr1:156,172,991, A>G. VCF-style: chr1-156172991-A-G. GRCh37 (hg19) VCF-style: chr1-156142782-A-G.
Other names: c.1300A>G, p.Met434Val (NM_001193300.2, NM_001193301.2, NM_001370567.1); c.904A>G, p.Met302Val (NM_001193302.2); c.1003A>G, p.Met335Val (NM_001370568.1); c.793A>G, p.Met265Val (NM_001370569.1, NM_001370571.1); short protein forms M265V, M335V, M434V, M302V.
Identifiers: ClinVar variation 2114225 (VCV002114225.4), dbSNP rs781112279, ClinGen allele CA1155322.
Genomic context (GRCh38, chr1:156,172,991, plus strand): 5'-GAGTATACACGGCTTGCAGTGGAGACAGCCCAGGGCCTTGATGGGCACAGCCATCTTGTC[A>G]TGTACCTGGGAACCAGTGAGTAAAGAGTTCCGGGACATCCCCCAGAGGACTAGAGCAGAG-3'
Protein context (NP_071762.2, residues 424-444): QGLDGHSHLV[Met434Val]YLGTTTGSLH

ClinVar aggregate classification (germline): Uncertain significance (1 of 4 stars; one submission).

Allele frequency attached by ClinVar (database versions not stated): gnomAD exomes below 0.00001; TOPMed below 0.00001; ExAC 0.00001.

Submission:

Labcorp Genetics (formerly Invitae), Labcorp
Classification: Uncertain significance. Last evaluated: 2022-09-29. Review status: criteria provided, single submitter. Criteria: Invitae Variant Classification Sherloc (09022015). Collection method: clinical testing. Allele origin: germline.
Comment: In summary, the available evidence is currently insufficient to determine the role of this variant in disease. Therefore, it has been classified as a Variant of Uncertain Significance. Advanced modeling of protein sequence and biophysical properties (such as structural, functional, and spatial information, amino acid conservation, physicochemical variation, residue mobility, and thermodynamic stability) performed at Invitae indicates that this missense variant is not expected to disrupt SEMA4A protein function. This variant has not been reported in the literature in individuals affected with SEMA4A-related conditions. This variant is present in population databases (rs781112279, gnomAD 0.0009%). This sequence change replaces methionine, which is neutral and non-polar, with valine, which is neutral and non-polar, at codon 434 of the SEMA4A protein (p.Met434Val).